The following is an entry in ClinVar:

NM_000291.4(PGK1):c.571AAG[1] (p.Lys192del)

Gene: PGK1 (phosphoglycerate kinase 1; plus strand). Cytogenetic location: Xq21.1.
Variant type: Microsatellite.
Coding change: c.571AAG[1] on transcript NM_000291.4 (MANE Select); one copy of the 3-base unit AAG starting at c.571; the reference has two copies in a row; one copy, 3 bases deleted.
Protein change: p.Lys192del; deletes lysine 192.
Molecular consequence: inframe deletion.
Genome position (GRCh38, 1-based): chrX:78,118,103-78,118,105, AAG deleted; deleting any 3 consecutive bases within chrX:78,118,099-78,118,105 gives the same sequence; the position shown is the placement nearest the transcript's 3' end. VCF-style (leftmost placement, unchanged base first): chrX-78118098-TGAA-T. GRCh37 (hg19) VCF-style: chrX-77373595-TGAA-T.
Other names: PGK-Alabama; K191del; c.574_576delAAG (NM_000291.3); short protein forms K192del.
Identifiers: ClinVar variation 9949 (VCV000009949.4), dbSNP rs431905502, ClinGen allele CA120827.

ClinVar aggregate classification (germline): Conflicting classifications of pathogenicity. Review status: no assertion criteria provided (0 of 4 stars). 2 submissions from 2 submitters: Pathogenic (1); Uncertain significance (1). Last evaluated 2024-08-14.

Conditions:
PGK1-related disorder. Also called: PGK1-related condition.
Glycogen storage disease due to phosphoglycerate kinase 1 deficiency. Also called: PGK1 DEFICIENCY; PHOSPHOGLYCERATE KINASE 1 DEFICIENCY WITH LEVO-DOPA-RESPONSIVE PARKINSONISM. Identifiers: Orphanet 713, MedGen C1970848, MONDO:0010392, OMIM 300653.

Submissions (2):

PreventionGenetics, part of Exact Sciences
Classification: Uncertain significance for PGK1-related condition. Last evaluated: 2024-08-14. Review status: no assertion criteria provided. Collection method: clinical testing. Allele origin: germline.
Comment: The PGK1 c.574_576delAAG variant is predicted to result in an in-frame deletion (p.Lys192del). This variant was reported in an individual with phosphoglycerate kinase deficiency (Yoshida and Davé. 1995. PubMed ID: 8673469). A missense variant at this amino acid position, described as p.Lys192Met, has been reported in a patient with cerebral palsy (Rosello et al. 2021. PubMed ID: 33177673). The c.574_576del (p.Lys192del) variant has not been reported in a large population database, indicating this variant is rare. At this time, the clinical significance of this variant is uncertain due to the absence of conclusive functional and genetic evidence.

OMIM
Classification: Pathogenic for PHOSPHOGLYCERATE KINASE 1 DEFICIENCY, ALABAMA. Last evaluated: 1995-01-01. Review status: no assertion criteria provided. Collection method: literature only. Allele origin: germline.

Literature cited by the submitters: PubMed 8673469 (cited by OMIM).